The following is an entry in ClinVar:

ClinVar aggregate classification (germline): Likely pathogenic (1 of 4 stars; one submission).

Conditions:
Duchenne muscular dystrophy (DMD). Also called: MUSCULAR DYSTROPHY, PSEUDOHYPERTROPHIC PROGRESSIVE, DUCHENNE TYPE; Duchenne Muscular Dystrophy (DMD). Identifiers: Orphanet 98896, MedGen C0013264, MONDO:0010679, OMIM 310200.

Submission:

3billion
Classification: Likely pathogenic for Duchenne muscular dystrophy. Last evaluated: 2024-11-27. Review status: criteria provided, single submitter. Criteria: ACMG Guidelines, 2015. Collection method: clinical testing. Allele origin: germline. Affected: yes.
Comment: The variant is not observed in the gnomAD v4.1.0 dataset. Predicted Consequence/Location: Canonical splice site: predicted to alter splicing and result in a loss or disruption of normal protein function. Multiple pathogenic loss-of-function variants are reported downstream of the variant. In silico tools predict the variant to alter splicing and produce an abnormal transcript [SpliceAI: 1.00 (spliceogenicity >=0.2, non-spliceogenicity <0.1)]. Therefore, this variant is classified as Likely pathogenic according to the recommendation of ACMG/AMP guideline.

NM_004006.3(DMD):c.6615-18_6617del

Gene: DMD (dystrophin; minus strand). Cytogenetic location: Xp21.1.
Variant type: Deletion.
Coding change: c.6615-18_6617del on transcript NM_004006.3 (MANE Select); 18 bases into the intron before coding-DNA position 6615 through coding-DNA position 6617, 21 bases deleted (TTATTCTTCTTTCTCCAGGCT).
Molecular consequence: splice acceptor variant.
Genome position (GRCh38, 1-based): chrX:31,932,225-31,932,245, AGCCTGGAGAAAGAAGAATAA deleted on the plus strand (TTATTCTTCTTTCTCCAGGCT on the coding strand, the reverse complement: DMD is on the minus strand); deleting any 21 consecutive bases within chrX:31,932,225-31,932,246 gives the same sequence; the c. name uses the placement nearest the transcript's 3' end. VCF-style (leftmost placement, unchanged base first): chrX-31932224-TAGCCTGGAGAAAGAAGAATAA-T. GRCh37 (hg19) VCF-style: chrX-31950341-TAGCCTGGAGAAAGAAGAATAA-T.
Other names: c.6591-18_6593del (NM_000109.4); c.2592-18_2594del (NM_004011.4); c.2583-18_2585del (NM_004012.4); c.-766-18_-764del (NM_004023.3, NM_004020.4, NM_004022.3 and 2 more transcripts); c.6603-18_6605del (NM_004009.3); c.6246-18_6248del (NM_004010.3).
Identifiers: ClinVar variation 4292484 (VCV004292484.1).